The following is an entry in ClinVar:

ClinVar aggregate classification (germline): Uncertain significance. Review status: criteria provided, multiple submitters, no conflicts (2 of 4 stars). 3 submissions from 3 submitters: Uncertain significance (3). Last evaluated 2026-01-10.

Conditions:
Cardiovascular phenotype. Identifiers: MedGen CN230736.

Allele frequency attached by ClinVar (database versions not stated): ExAC 0.00001; gnomAD exomes 0.00002; gnomAD 0.00003.

Submissions (3):

Ambry Genetics
Classification: Uncertain significance for Cardiovascular phenotype. Last evaluated: 2026-01-10. Review status: criteria provided, single submitter. Criteria: Ambry Variant Classification Scheme 2023. Collection method: clinical testing. Allele origin: germline.
Comment: The p.R179C variant (also known as c.535C>T), located in coding exon 5 of the TECRL gene, results from a C to T substitution at nucleotide position 535. The arginine at codon 179 is replaced by cysteine, an amino acid with highly dissimilar properties. This amino acid position is conserved. In addition, this alteration is predicted to be tolerated by in silico analysis. Based on the available evidence, the clinical significance of this variant remains unclear.

GeneDx
Classification: Uncertain significance. Last evaluated: 2024-06-28. Review status: criteria provided, single submitter. Criteria: GeneDx Variant Classification Process June 2021. Collection method: clinical testing. Allele origin: germline. Affected: yes.
Comment: Has not been previously published as pathogenic or benign to our knowledge; Not observed at significant frequency in large population cohorts (gnomAD); In silico analysis supports that this missense variant has a deleterious effect on protein structure/function

Blueprint Genetics
Classification: Uncertain significance. Last evaluated: 2024-04-15. Review status: criteria provided, single submitter. Criteria: ACMG Guidelines, 2015. Collection method: clinical testing. Allele origin: germline.

NM_001010874.5(TECRL):c.535C>T (p.Arg179Cys)

Gene: TECRL (trans-2,3-enoyl-CoA reductase like; minus strand). Cytogenetic location: 4q13.1.
Variant type: single nucleotide variant.
Coding change: c.535C>T on transcript NM_001010874.5 (MANE Select); coding-DNA position 535, C replaced by T.
Protein change: p.Arg179Cys; replaces arginine 179 with cysteine.
Molecular consequence: missense variant.
Genome position (GRCh38, 1-based): chr4:64,314,664, G>A on the plus strand (C>T on the coding strand, the complement: TECRL is on the minus strand). VCF-style: chr4-64314664-G-A. GRCh37 (hg19) VCF-style: chr4-65180382-G-A.
Other names: c.535C>T, p.Arg179Cys (NM_001363796.1); short protein forms R179C.
Identifiers: ClinVar variation 2325676 (VCV002325676.5), dbSNP rs777492647, ClinGen allele CA2935501.